The following is an entry in ClinVar:

NM_016122.3(CEP83):c.980A>G (p.Lys327Arg)

Gene: CEP83 (centrosomal protein 83; minus strand). Cytogenetic location: 12q22.
Variant type: single nucleotide variant.
Coding change: c.980A>G on transcript NM_016122.3 (MANE Select); coding-DNA position 980, A replaced by G.
Protein change: p.Lys327Arg; replaces lysine 327 with arginine.
Molecular consequence: missense variant. On other transcripts: non-coding transcript variant (2).
Genome position (GRCh38, 1-based): chr12:94,369,990, T>C on the plus strand (A>G on the coding strand, the complement: CEP83 is on the minus strand). VCF-style: chr12-94369990-T-C. GRCh37 (hg19) VCF-style: chr12-94763766-T-C.
Other names: c.980A>G, p.Lys327Arg (NM_001042399.2, NM_001346457.2, NM_001346460.2 and 3 more transcripts); c.668A>G, p.Lys223Arg (NM_001346458.2, NM_001346459.2, NM_001346462.2 and 2 more transcripts); c.755A>G, p.Lys252Arg (NM_001368041.1); c.443A>G, p.Lys148Arg (NM_001368042.1); short protein forms K148R, K223R, K252R, K327R.
Identifiers: ClinVar variation 1000524 (VCV001000524.7), dbSNP rs752116946, ClinGen allele CA6721783.

ClinVar aggregate classification (germline): Uncertain significance (1 of 4 stars; one submission).

Conditions:
Nephronophthisis 18 (NPHP18). Identifiers: Orphanet 655, MedGen C3890591, MONDO:0014374, OMIM 615862.

Allele frequency attached by ClinVar (database versions not stated): TOPMed 0.00001.
gnomAD v4.1: 7 of 1,611,108 alleles (0.00043%); highest among the groups gnomAD compares: African/African-American, 0.0013%; no homozygotes.

Submission:

Labcorp Genetics (formerly Invitae), Labcorp
Classification: Uncertain significance for Nephronophthisis 18. Last evaluated: 2025-04-17. Review status: criteria provided, single submitter. Criteria: Invitae Variant Classification Sherloc (09022015). Collection method: clinical testing. Allele origin: germline.
Comment: This sequence change replaces lysine, which is basic and polar, with arginine, which is basic and polar, at codon 327 of the CEP83 protein (p.Lys327Arg). This variant is present in population databases (rs752116946, gnomAD 0.0009%). This variant has not been reported in the literature in individuals affected with CEP83-related conditions. ClinVar contains an entry for this variant (Variation ID: 1000524). Invitae Evidence Modeling of protein sequence and biophysical properties (such as structural, functional, and spatial information, amino acid conservation, physicochemical variation, residue mobility, and thermodynamic stability) indicates that this missense variant is not expected to disrupt CEP83 protein function with a negative predictive value of 80%. In summary, the available evidence is currently insufficient to determine the role of this variant in disease. Therefore, it has been classified as a Variant of Uncertain Significance.